The following is an entry in ClinVar:

ClinVar aggregate classification (germline): Uncertain significance (1 of 4 stars; one submission).

Submission:

Labcorp Genetics (formerly Invitae), Labcorp
Classification: Uncertain significance. Last evaluated: 2022-04-20. Review status: criteria provided, single submitter. Criteria: Invitae Variant Classification Sherloc (09022015). Collection method: clinical testing. Allele origin: germline.
Comment: This variant has not been reported in the literature in individuals affected with NTRK2-related conditions. In summary, the available evidence is currently insufficient to determine the role of this variant in disease. Therefore, it has been classified as a Variant of Uncertain Significance. Advanced modeling of protein sequence and biophysical properties (such as structural, functional, and spatial information, amino acid conservation, physicochemical variation, residue mobility, and thermodynamic stability) performed at Invitae indicates that this missense variant is not expected to disrupt NTRK2 protein function. This variant is not present in population databases (gnomAD no frequency). This sequence change replaces leucine, which is neutral and non-polar, with valine, which is neutral and non-polar, at codon 731 of the NTRK2 protein (p.Leu731Val).

NM_006180.6(NTRK2):c.2191C>G (p.Leu731Val)

Gene: NTRK2 (neurotrophic receptor tyrosine kinase 2; plus strand). Cytogenetic location: 9q21.33.
Variant type: single nucleotide variant.
Coding change: c.2191C>G on transcript NM_006180.6 (MANE Select); coding-DNA position 2191, C replaced by G.
Protein change: p.Leu731Val; replaces leucine 731 with valine.
Molecular consequence: missense variant.
Genome position (GRCh38, 1-based): chr9:85,020,224, C>G. VCF-style: chr9-85020224-C-G. GRCh37 (hg19) VCF-style: chr9-87635139-C-G.
Other names: c.2143C>G, p.Leu715Val (NM_001018064.3, NM_001369532.1, NM_001369533.1); c.2107C>G, p.Leu703Val (NM_001369534.1); c.1675C>G, p.Leu559Val (NM_001369535.1); c.1723C>G, p.Leu575Val (NM_001369536.1); c.2191C>G, p.Leu731Val (NM_001381928.1); short protein forms L731V, L575V, L703V, L715V, L559V.
Identifiers: ClinVar variation 2128615 (VCV002128615.4), dbSNP rs2117929891, ClinGen allele CA374007755.